The following is an entry in ClinVar:

ClinVar aggregate classification (germline): Uncertain significance (1 of 4 stars; one submission).

Conditions:
Syndromic multisystem autoimmune disease due to ITCH deficiency. Also called: AUTOIMMUNE DISEASE, MULTISYSTEM, WITH FACIAL DYSMORPHISM. Identifiers: Orphanet 228426, MedGen C3150649, MONDO:0013245, OMIM 613385.

Submission:

Labcorp Genetics (formerly Invitae), Labcorp
Classification: Uncertain significance for Syndromic multisystem autoimmune disease due to ITCH deficiency. Last evaluated: 2022-06-05. Review status: criteria provided, single submitter. Criteria: Invitae Variant Classification Sherloc (09022015). Collection method: clinical testing. Allele origin: germline.
Comment: Algorithms developed to predict the effect of missense changes on protein structure and function are either unavailable or do not agree on the potential impact of this missense change (SIFT: "Not Available"; PolyPhen-2: "Benign"; Align-GVGD: "Not Available"). This sequence change replaces valine, which is neutral and non-polar, with aspartic acid, which is acidic and polar, at codon 194 of the ITCH protein (p.Val194Asp). This variant is not present in population databases (gnomAD no frequency). This variant has not been reported in the literature in individuals affected with ITCH-related conditions. In summary, the available evidence is currently insufficient to determine the role of this variant in disease. Therefore, it has been classified as a Variant of Uncertain Significance.

NM_031483.7(ITCH):c.581T>A (p.Val194Asp)

Gene: ITCH (itchy E3 ubiquitin protein ligase; plus strand). Cytogenetic location: 20q11.22.
Variant type: single nucleotide variant.
Coding change: c.581T>A on transcript NM_031483.7 (MANE Select); coding-DNA position 581, T replaced by A.
Protein change: p.Val194Asp; replaces valine 194 with aspartic acid.
Molecular consequence: missense variant.
Genome position (GRCh38, 1-based): chr20:34,438,533, T>A. VCF-style: chr20-34438533-T-A. GRCh37 (hg19) VCF-style: chr20-33026338-T-A.
Other names: c.581T>A, p.Val194Asp (NM_001324198.2); c.704T>A, p.Val235Asp (NM_001257137.3, NM_001324197.2); c.251T>A, p.Val84Asp (NM_001257138.3); short protein forms V84D, V235D, V194D.
Identifiers: ClinVar variation 1996780 (VCV001996780.4), dbSNP rs2515664956, ClinGen allele CA408662617.